The following is an entry in ClinVar:

NM_001377.3(DYNC2H1):c.11039C>T (p.Ala3680Val)

Gene: DYNC2H1 (dynein cytoplasmic 2 heavy chain 1; plus strand). Cytogenetic location: 11q22.3.
Variant type: single nucleotide variant.
Coding change: c.11039C>T on transcript NM_001377.3 (MANE Select); coding-DNA position 11039, C replaced by T.
Protein change: p.Ala3680Val; replaces alanine 3680 with valine.
Molecular consequence: missense variant.
Genome position (GRCh38, 1-based): chr11:103,287,549, C>T. VCF-style: chr11-103287549-C-T. GRCh37 (hg19) VCF-style: chr11-103158278-C-T.
Other names: c.11060C>T, p.Ala3687Val (NM_001080463.2); short protein forms A3687V, A3680V.
Identifiers: ClinVar variation 302107 (VCV000302107.32), dbSNP rs10895391, ClinGen allele CA6255143.

ClinVar aggregate classification (germline): Benign. Review status: criteria provided, multiple submitters, no conflicts (2 of 4 stars). 12 submissions from 12 submitters: Benign (9). 3 of the submissions do not count toward it. Last evaluated 2026-02-04.

Conditions:
Jeune thoracic dystrophy. Also called: Infantile thoracic dystrophy; Thoracic pelvic phalangeal dystrophy; Jeune's syndrome; Chondroectodermal dysplasia-like syndrome; Short-rib thoracic dysplasia; Jeune syndrome. Identifiers: Orphanet 474, MedGen C0265275, MONDO:0018770.
Asphyxiating thoracic dystrophy 3. Also called: SHORT-RIB THORACIC DYSPLASIA 3 WITH OR WITHOUT POLYDACTYLY; POLYDACTYLY WITH NEONATAL CHONDRODYSTROPHY, TYPE I; SHORT-RIB THORACIC DYSPLASIA 3/6 WITH POLYDACTYLY, DIGENIC; Short rib polydactyly syndrome 2B; Saldino-Noonan Syndrome. Identifiers: Orphanet 474, Orphanet 93269, Orphanet 93270, Orphanet 93271, MedGen C0036069, MONDO:0013127, OMIM 613091.

Allele frequency attached by ClinVar (database versions not stated): 1000 Genomes Project 30x 0.28373; TOPMed 0.28492; 1000 Genomes Project 0.28634; gnomAD 0.29753 and 0.30019; ESP Exome Variant Server 0.30617; ExAC 0.33287.
gnomAD v4.1: 555,649 of 1,603,654 alleles (35%); highest among the groups gnomAD compares: South Asian, 40%; 98,755 homozygotes.

Submissions (12):

Labcorp Genetics (formerly Invitae), Labcorp
Classification: Benign for Jeune thoracic dystrophy. Last evaluated: 2026-02-04. Review status: criteria provided, single submitter. Criteria: Invitae Variant Classification Sherloc (09022015). Collection method: clinical testing. Allele origin: germline.

Blueprint Genetics
Classification: Benign. Last evaluated: 2024-11-27. Review status: criteria provided, single submitter. Criteria: ACMG Guidelines, 2015. Collection method: clinical testing. Allele origin: germline.

Mayo Clinic Laboratories, Mayo Clinic
Classification: Benign. Last evaluated: 2022-03-09. Review status: criteria provided, single submitter. Criteria: ACMG Guidelines, 2015. Collection method: clinical testing. Allele origin: germline. Observed: 34 variant alleles.

Genome-Nilou Lab
Classification: Benign for Asphyxiating thoracic dystrophy 3. Last evaluated: 2021-07-30. Review status: criteria provided, single submitter. Criteria: ACMG Guidelines, 2015. Collection method: clinical testing. Allele origin: germline. Affected: no.

Mendelics
Classification: Benign for Asphyxiating thoracic dystrophy 3. Last evaluated: 2019-05-28. Review status: criteria provided, single submitter. Criteria: Mendelics Assertion Criteria 2017. Collection method: clinical testing. Allele origin: unknown.

Illumina Laboratory Services, Illumina
Classification: Benign for Asphyxiating thoracic dystrophy 3. Last evaluated: 2018-01-13. Review status: criteria provided, single submitter. Criteria: ICSL Variant Classification Criteria 13 December 2019. Collection method: clinical testing. Allele origin: germline.
Comment: This variant was observed in the ICSL laboratory as part of a predisposition screen in an ostensibly healthy population. It had not been previously curated by ICSL or reported in the Human Gene Mutation Database (HGMD: prior to June 1st, 2018), and was therefore a candidate for classification through an automated scoring system. Utilizing variant allele frequency, disease prevalence and penetrance estimates, and inheritance mode, an automated score was calculated to assess if this variant is too frequent to cause the disease. Based on the score and internal cut-off values, a variant classified as benign is not then subjected to further curation. The score for this variant resulted in a classification of benign for this disease.

GeneDx
Classification: Benign. Last evaluated: 2016-03-29. Review status: criteria provided, single submitter. Criteria: GeneDx Variant Classification (06012015). Collection method: clinical testing. Allele origin: germline. Affected: yes.
Comment: This variant is considered likely benign or benign based on one or more of the following criteria: it is a conservative change, it occurs at a poorly conserved position in the protein, it is predicted to be benign by multiple in silico algorithms, and/or has population frequency not consistent with disease.

Laboratory for Molecular Medicine, Mass General Brigham Personalized Medicine
Classification: Benign. Last evaluated: 2016-03-28. Review status: criteria provided, single submitter. Criteria: LMM Criteria. Collection method: clinical testing. Allele origin: germline.
Comment: Variant identified in a genome or exome case(s) and assessed due to predicted null impact of the variant or pathogenic assertions in the literature or databases. Disclaimer: This variant has not undergone full assessment. The following are preliminary notes: Frequency

Breakthrough Genomics
Classification: Benign. Review status: criteria provided, single submitter. Criteria: ACMG Guidelines, 2015. Collection method: not provided. Allele origin: germline. Inheritance: Autosomal recessive inheritance. Affected: yes.

Clinical Genetics DNA and cytogenetics Diagnostics Lab, Erasmus MC, Erasmus Medical Center
Classification: Benign. Review status: no assertion criteria provided. Collection method: clinical testing. Allele origin: germline. Affected: yes. Study: VKGL Data-share Consensus. Not counted in ClinVar's aggregate classification.

Diagnostic Laboratory, Department of Genetics, University Medical Center Groningen
Classification: Benign. Review status: no assertion criteria provided. Collection method: clinical testing. Allele origin: germline. Affected: yes. Study: VKGL Data-share Consensus. Not counted in ClinVar's aggregate classification.

Joint Genome Diagnostic Labs from Nijmegen and Maastricht, Radboudumc and MUMC+
Classification: Benign. Review status: no assertion criteria provided. Collection method: clinical testing. Allele origin: germline. Affected: yes. Study: VKGL Data-share Consensus. Not counted in ClinVar's aggregate classification.